The following is an entry in ClinVar:

NM_000268.4(NF2):c.1425T>A (p.Ile475=)

Gene: NF2 (NF2, moesin-ezrin-radixin like (MERLIN) tumor suppressor; plus strand). Cytogenetic location: 22q12.2.
Variant type: single nucleotide variant.
Coding change: c.1425T>A on transcript NM_000268.4 (MANE Select); coding-DNA position 1425, T replaced by A.
Protein change: p.Ile475=; no amino-acid change (isoleucine 475 retained).
Molecular consequence: synonymous variant. On other transcripts: non-coding transcript variant (1), intron variant (1).
Genome position (GRCh38, 1-based): chr22:29,674,920, T>A. VCF-style: chr22-29674920-T-A. GRCh37 (hg19) VCF-style: chr22-30070909-T-A.
Other names: c.1425T>A, p.Ile475= (NM_016418.5, NM_181825.3, NM_181832.3); c.1299T>A, p.Ile433= (NM_181828.3); c.1302T>A, p.Ile434= (NM_181829.3); c.1176T>A, p.Ile392= (NM_181830.3, NM_181831.3); c.448-19832T>A (NM_181833.3).
Identifiers: ClinVar variation 1543709 (VCV001543709.11), dbSNP rs774818801, ClinGen allele CA031298.

ClinVar aggregate classification (germline): Likely benign. Review status: criteria provided, multiple submitters, no conflicts (2 of 4 stars). 3 submissions from 3 submitters: Likely benign (3). Last evaluated 2025-10-20.

Conditions:
Neurofibromatosis, type 2 (SWNV). Also called: SCHWANNOMATOSIS, VESTIBULAR; BILATERAL ACOUSTIC NEUROFIBROMATOSIS; NF2-Related Schwannomatosis. Identifiers: Orphanet 637, MedGen C0027832, MONDO:0007039, OMIM 101000. Disease mechanism: loss of function.
Hereditary cancer-predisposing syndrome. Also called: Neoplastic Syndromes, Hereditary; Hereditary Cancer Syndrome; Hereditary neoplastic syndrome; Tumor predisposition. Identifiers: Orphanet 140162, MedGen C0027672, MeSH D009386, MONDO:0015356.

Allele frequency attached by ClinVar (database versions not stated): gnomAD 0.00001; gnomAD exomes 0.00001; TOPMed 0.00001.
gnomAD v4.1: 14 of 1,571,348 alleles (0.00089%); highest among the groups gnomAD compares: Non-Finnish European, 0.0012%; no homozygotes.

Submissions (3):

Labcorp Genetics (formerly Invitae), Labcorp
Classification: Likely benign for Neurofibromatosis, type 2. Last evaluated: 2025-10-20. Review status: criteria provided, single submitter. Criteria: Invitae Variant Classification Sherloc (09022015). Collection method: clinical testing. Allele origin: germline.

All of Us Research Program, National Institutes of Health
Classification: Likely benign for Neurofibromatosis, type 2. Last evaluated: 2023-06-26. Review status: criteria provided, single submitter. Criteria: ACMG Guidelines, 2015. Collection method: clinical testing. Allele origin: germline. Inheritance: Autosomal dominant inheritance. Observed: 2 variant alleles, 2 heterozygotes.
Comment: This study involves interpretation of variants in research participants for the purpose of population health screening. Participant phenotype was not available at the time of variant classification. Additional details can be found in publication PMID: 35346344, PMCID: PMC8962531

Ambry Genetics
Classification: Likely benign for Hereditary cancer-predisposing syndrome. Last evaluated: 2022-05-07. Review status: criteria provided, single submitter. Criteria: Ambry Variant Classification Scheme 2023. Collection method: clinical testing. Allele origin: germline.